The following is an entry in ClinVar:

ClinVar aggregate classification (germline): Uncertain significance (1 of 4 stars; one submission).

Conditions:
Ectodermal dysplasia 9, hair/nail type (ECTD9). Identifiers: Orphanet 69084, MedGen C3554127, MONDO:0013976, OMIM 614931.

Submission:

OLLIN Analises Genomicas, OLLIN
Classification: Uncertain significance for Ectodermal dysplasia 9, hair/nail type. Last evaluated: 2026-08-06. Review status: criteria provided, single submitter. Criteria: ACMG Guidelines 2015 PMID 25741868. Collection method: clinical testing. Allele origin: germline.
Comment: This frameshift variant, located in exon 2 (of 2), is absent from gnomAD and ClinVar and has not been identified in the literature. This variant causes a frameshift and introduces a premature stop codon, which is predicted to result in either a truncated protein or degradation of the mRNA via nonsense-mediated decay (NMD). According to the currently available evidence, this variant has been classified as uncertain significance (PVS1_S, PM2_P).

NM_017410.3(HOXC13):c.923_926del (p.Trp307_Phe308insTer)

Gene: HOXC13 (homeobox C13; plus strand). Cytogenetic location: 12q13.13.
Variant type: Deletion.
Coding change: c.923_926del on transcript NM_017410.3 (MANE Select); coding-DNA positions 923 to 926, 4 bases deleted (TCCA; older notation c.923_926delTCCA).
Protein change: p.Trp307_Phe308insTer.
Molecular consequence: nonsense.
Genome position (GRCh38, 1-based): chr12:53,945,186-53,945,189, TCCA deleted. VCF-style (leftmost placement, unchanged base first): chr12-53945185-TTCCA-T. GRCh37 (hg19) VCF-style: chr12-54338969-TTCCA-T.
Identifiers: ClinVar variation 5002944 (VCV005002944.1).